The following is an entry in ClinVar:

NM_000287.4(PEX6):c.1715C>T (p.Thr572Ile)

Gene: PEX6 (peroxisomal biogenesis factor 6; minus strand). Cytogenetic location: 6p21.1.
Variant type: single nucleotide variant.
Coding change: c.1715C>T on transcript NM_000287.4 (MANE Select); coding-DNA position 1715, C replaced by T.
Protein change: p.Thr572Ile; replaces threonine 572 with isoleucine.
Molecular consequence: missense variant. On other transcripts: non-coding transcript variant (1).
Genome position (GRCh38, 1-based): chr6:42,967,537, G>A on the plus strand (C>T on the coding strand, the complement: PEX6 is on the minus strand). VCF-style: chr6-42967537-G-A. GRCh37 (hg19) VCF-style: chr6-42935275-G-A.
Other names: c.1451C>T, p.Thr484Ile (NM_001316313.2); short protein forms T572I, T484I.
Identifiers: ClinVar variation 224323 (VCV000224323.13), dbSNP rs61753224, ClinGen allele CA10575897.
Genomic context (GRCh38, chr6:42,967,537, plus strand): 5'-TCGAGCTCATGAGGAAATGCTGTCTGCACATCAGCAGGCAGGTCCTGGGCCCGGCTTGTG[G>A]TGGCCACAACCATGAGGGGAGGGCAGCTGCAGACAGAGGAGTGGGCACTGAGGGTGAGAA-3'
Protein context (NP_000278.3, residues 562-582): NSCPPLMVVA[Thr572Ile]TSRAQDLPAD

ClinVar aggregate classification (germline): Pathogenic/Likely pathogenic. Review status: criteria provided, multiple submitters, no conflicts (2 of 4 stars). 6 submissions from 6 submitters: Pathogenic (1); Likely pathogenic (4). 1 of the submissions does not count toward it. Last evaluated 2025-07-23.

Conditions:
Peroxisome biogenesis disorder. Identifiers: Orphanet 79189, MedGen C1832200, MONDO:0019234. Disease mechanism: loss of function.
Zellweger spectrum disorders (ZS). Also called: Zellweger Spectrum Disorder; Zellweger Spectrum; Zellweger Spectrum Disorder (ZSD); Zellweger syndrome. Identifiers: Orphanet 912, MedGen C0043459, MONDO:0019609.
Peroxisome biogenesis disorder 4A (Zellweger) (PBD4A). Also called: Zellweger syndrome spectrum (PEX6-related). Identifiers: Orphanet 912, MedGen C3553936, MONDO:0013930, OMIM 614862. Disease mechanism: loss of function.
Peroxisome biogenesis disorder 4B (PBD4B). Also called: SPINOCEREBELLAR ATAXIA WITH BLINDNESS AND DEAFNESS 1. Identifiers: Orphanet 44, Orphanet 95433, MedGen C3553937, MONDO:0013931, OMIM 614863.
Heimler syndrome 2 (HMLR2). Also called: PEROXISOME BIOGENESIS DISORDER 4C. Identifiers: Orphanet 3220, MedGen C4225267, OMIM 616617, MONDO:0014709.

Submissions (6):

Natera, Inc.
Classification: Likely pathogenic for Zellweger syndrome. Last evaluated: 2025-07-23. Review status: criteria provided, single submitter. Criteria: Natera Variant Classification Schema (03/2026). Collection method: clinical testing. Allele origin: germline.
Comment: The c.1715C>T variant in PEX6 is a missense variant predicted to cause substitution of threonine to isoleucine at amino acid 572. This variant is rare in the general population with a frequency below the threshold expected for the associated phenotype(s). This variant has been observed in one or more individuals affected with the associated recessive disease, as either homozygous or compound heterozygous with a second variant (PMID: 27302843, 11873320). Additionally, this variant has been observed to segregate in affected family members (PMID: 27302843). Computational prediction algorithms indicate this variant is likely to affect gene or protein function. Given the available evidence, this variant is classified as Likely Pathogenic.

Baylor Genetics
Classification: Likely pathogenic for Heimler syndrome 2. Last evaluated: 2023-12-12. Review status: criteria provided, single submitter. Criteria: ACMG Guidelines, 2015. Collection method: clinical testing. Allele origin: unknown.

Labcorp Genetics (formerly Invitae), Labcorp
Classification: Likely pathogenic for Peroxisome biogenesis disorder. Last evaluated: 2022-07-15. Review status: criteria provided, single submitter. Criteria: Invitae Variant Classification Sherloc (09022015). Collection method: clinical testing. Allele origin: germline.
Comment: In summary, the currently available evidence indicates that the variant is pathogenic, but additional data are needed to prove that conclusively. Therefore, this variant has been classified as Likely Pathogenic. Algorithms developed to predict the effect of missense changes on protein structure and function are either unavailable or do not agree on the potential impact of this missense change (SIFT: "Deleterious"; PolyPhen-2: "Benign"; Align-GVGD: "Class C0"). ClinVar contains an entry for this variant (Variation ID: 224323). This missense change has been observed in individual(s) with Heimler Syndrome and/or Zellweger spectrum disorder (PMID: 11873320, 27302843). In at least one individual the data is consistent with being in trans (on the opposite chromosome) from a pathogenic variant. It has also been observed to segregate with disease in related individuals. This variant is not present in population databases (gnomAD no frequency). This sequence change replaces threonine, which is neutral and polar, with isoleucine, which is neutral and non-polar, at codon 572 of the PEX6 protein (p.Thr572Ile).

Fulgent Genetics
Classification: Likely pathogenic for Peroxisome biogenesis disorder 4A (Zellweger); Peroxisome biogenesis disorder 4B; Heimler syndrome 2. Last evaluated: 2021-11-08. Review status: criteria provided, single submitter. Criteria: ACMG Guidelines, 2015. Collection method: clinical testing. Allele origin: unknown.

Leeds Amelogenesis Imperfecta Research Group, University of Leeds
Classification: Pathogenic for Heimler syndrome 2. Last evaluated: 2015-10-01. Review status: criteria provided, single submitter. Criteria: Submitter's publication. Collection method: research. Allele origin: germline. Affected: yes.
Comment: Papers report individuals with c.1715C>T, PMID:11873320 reports an individual with an identical genotype

Sharon lab, Hadassah-Hebrew University Medical Center
Classification: Pathogenic for Peroxisome biogenesis disorder. Last evaluated: 2019-06-23. Review status: no assertion criteria provided. Collection method: research. Allele origin: inherited. Affected: yes. Not counted in ClinVar's aggregate classification.

Literature cited by the submitters: PubMed 27302843 (cited by Natera, Inc. and Labcorp Genetics (formerly Invitae), Labcorp); PubMed 11873320 (cited by 3 submitters); PubMed 19877282 (cited by Leeds Amelogenesis Imperfecta Research Group, University of Leeds).